The following is an entry in ClinVar:

ClinVar aggregate classification (germline): Benign. Review status: criteria provided, multiple submitters, no conflicts (2 of 4 stars). 2 submissions from 2 submitters: Benign (2). Last evaluated 2018-06-19.

Allele frequency attached by ClinVar (database versions not stated): 1000 Genomes Project 30x 0.16037; 1000 Genomes Project 0.16314; TOPMed 0.24465; gnomAD 0.25826 and 0.26030.
gnomAD v4.1: 39,465 of 152,062 alleles (26%); highest among the groups gnomAD compares: Non-Finnish European, 37%; 6,406 homozygotes.

Submissions (2):

GeneDx
Classification: Benign. Last evaluated: 2018-06-19. Review status: criteria provided, single submitter. Criteria: GeneDx Variant Classification (06012015). Collection method: clinical testing. Allele origin: germline. Affected: yes.
Comment: This variant is considered likely benign or benign based on one or more of the following criteria: it is a conservative change, it occurs at a poorly conserved position in the protein, it is predicted to be benign by multiple in silico algorithms, and/or has population frequency not consistent with disease.

Breakthrough Genomics
Classification: Benign. Review status: criteria provided, single submitter. Criteria: ACMG Guidelines, 2015. Collection method: not provided. Allele origin: germline. Inheritance: Autosomal dominant inheritance. Affected: yes.

NM_001844.5(COL2A1):c.531+334C>T

Gene: COL2A1 (collagen type II alpha 1 chain; minus strand). Cytogenetic location: 12q13.11.
Variant type: single nucleotide variant.
Coding change: c.531+334C>T on transcript NM_001844.5 (MANE Select); 334 bases into the intron after coding-DNA position 531, C replaced by T.
Molecular consequence: intron variant.
Genome position (GRCh38, 1-based): chr12:47,997,272, G>A on the plus strand (C>T on the coding strand, the complement: COL2A1 is on the minus strand). VCF-style: chr12-47997272-G-A. GRCh37 (hg19) VCF-style: chr12-48391055-G-A.
Other names: c.324+334C>T (NM_033150.3).
Identifiers: ClinVar variation 668711 (VCV000668711.2), dbSNP rs7971880, ClinGen allele CA15735342.